The following is an entry in ClinVar:

ClinVar aggregate classification (germline): Benign. Review status: criteria provided, multiple submitters, no conflicts (2 of 4 stars). 4 submissions from 4 submitters: Benign (4). Last evaluated 2026-02-03.

Conditions:
Hereditary cancer-predisposing syndrome. Also called: Tumor predisposition; Hereditary neoplastic syndrome; Neoplastic Syndromes, Hereditary; Hereditary Cancer Syndrome. Identifiers: Orphanet 140162, MedGen C0027672, MeSH D009386, MONDO:0015356.

Allele frequency attached by ClinVar (database versions not stated): gnomAD 0.04729 and 0.05048; ESP Exome Variant Server 0.04983; 1000 Genomes Project 0.05371; TOPMed 0.05380; 1000 Genomes Project 30x 0.05809.
gnomAD v4.1: 13,812 of 1,570,158 alleles (0.88%); highest among the groups gnomAD compares: African/African-American, 16%; 1,058 homozygotes.

Submissions (4):

Labcorp Genetics (formerly Invitae), Labcorp
Classification: Benign. Last evaluated: 2026-02-03. Review status: criteria provided, single submitter. Criteria: Invitae Variant Classification Sherloc (09022015). Collection method: clinical testing. Allele origin: germline.

Molecular Diagnostics Laboratory, Catalan Institute of Oncology
Classification: Benign for Hereditary cancer-predisposing syndrome. Last evaluated: 2025-07-07. Review status: criteria provided, single submitter. Criteria: ACMG Guidelines, 2015. Collection method: clinical testing. Allele origin: germline.
Comment: BA1, BP4, BP7 c.90G>A, located in exon 1 of the PPM1D gene, is predicted to result in no splicing alteration (according to SpliceAI) and no amino acid change, p.(Glu30=)(BP4, BP7).The variant allele was found in 2949/18188 alleles (255 homozygous), with a filtering allele frequency of 15.5% at 99% confidence, within the African population in the gnomAD v2.1.1 database (non-cancer data set)(BA1). To our knowledge, functional studies have not been reported for this variant. In addition, the variant was also identified in the ClinVar database (3x benign) but it has not been identified in the LOVD database. Based on currently available information, c.90G>A is classified as a benign variant according to ACMG guidelines.

GeneDx
Classification: Benign. Last evaluated: 2018-06-22. Review status: criteria provided, single submitter. Criteria: GeneDx Variant Classification Process June 2021. Collection method: clinical testing. Allele origin: germline. Affected: yes.

Breakthrough Genomics
Classification: Benign. Review status: criteria provided, single submitter. Criteria: ACMG Guidelines, 2015. Collection method: not provided. Allele origin: germline. Inheritance: Autosomal dominant inheritance. Affected: yes.

NM_003620.4(PPM1D):c.90G>A (p.Glu30=)

Gene: PPM1D (protein phosphatase, Mg2+/Mn2+ dependent 1D; plus strand). Cytogenetic location: 17q23.2.
Variant type: single nucleotide variant.
Coding change: c.90G>A on transcript NM_003620.4 (MANE Select); coding-DNA position 90, G replaced by A.
Protein change: p.Glu30=; no amino-acid change (glutamic acid 30 retained).
Molecular consequence: synonymous variant.
Genome position (GRCh38, 1-based): chr17:60,600,504, G>A. VCF-style: chr17-60600504-G-A. GRCh37 (hg19) VCF-style: chr17-58677865-G-A.
Identifiers: ClinVar variation 1277034 (VCV001277034.11), dbSNP rs16944543, ClinGen allele CA8687526.
Genomic context (GRCh38, chr17:60,600,504, plus strand): 5'-CGTCTTCTCCGACCAGGGCGGGAGGAAGTACATGGAGGACGTTACTCAAATCGTTGTGGA[G>A]CCCGAACCGACGGCTGAAGAAAAGCCCTCGCCGCGGCGGTCGCTGTCTCAGCCGTTGCCT-3'
Protein context (NP_003611.1, residues 20-40): YMEDVTQIVV[Glu30=]PEPTAEEKPS